The following is an entry in ClinVar:

ClinVar aggregate classification (germline): Pathogenic/Likely pathogenic. Review status: criteria provided, multiple submitters, no conflicts (2 of 4 stars). 8 submissions from 8 submitters: Pathogenic (5); Likely pathogenic (1). 2 of the submissions do not count toward it. Last evaluated 2025-02-18.

Conditions:
Multiple sulfatase deficiency (MSD). Also called: Multiple Sulfatase Deficiency Disease; Mucosulfatidosis; Sulfatidosis, Juvenile, Austin Type. Identifiers: Orphanet 585, MedGen C0268263, MONDO:0010088, OMIM 272200.

Allele frequency attached by ClinVar (database versions not stated): gnomAD 0.00001; TOPMed 0.00001; gnomAD exomes below 0.00001; ExAC 0.00001.

Submissions (8):

Natera, Inc.
Classification: Pathogenic for Multiple sulfatase deficiency. Last evaluated: 2025-02-18. Review status: criteria provided, single submitter. Criteria: Natera Variant Classification Schema (03/2026). Collection method: clinical testing. Allele origin: germline.
Comment: The c.1045C>T variant in SUMF1 is a missense variant predicted to cause substitution of arginine to tryptophan at amino acid 349. This variant is rare in the general population with a frequency below the threshold expected for the associated phenotype(s). This variant has been observed in one or more individuals affected with the associated recessive disease, as either homozygous or compound heterozygous with a second variant (PMID: 25885655, 25373814). Functional studies show that this variant may disrupt protein function (PMID: 15146462). Computational prediction algorithms indicate this variant is likely to affect gene or protein function. Given the available evidence, this variant is classified as Pathogenic.

Labcorp Genetics (formerly Invitae), Labcorp
Classification: Pathogenic for Multiple sulfatase deficiency. Last evaluated: 2023-02-14. Review status: criteria provided, single submitter. Criteria: Invitae Variant Classification Sherloc (09022015). Collection method: clinical testing. Allele origin: germline.
Comment: Experimental studies have shown that this missense change affects SUMF1 function (PMID: 15146462, 17657823, 18157819). This sequence change replaces arginine, which is basic and polar, with tryptophan, which is neutral and slightly polar, at codon 349 of the SUMF1 protein (p.Arg349Trp). The frequency data for this variant in the population databases is considered unreliable, as metrics indicate poor data quality at this position in the gnomAD database. This missense change has been observed in individual(s) with multiple sulfatase deficiency (PMID: 12757705, 12757706, 15146462, 17881260, 18157819, 24484558, 25373814, 25885655). ClinVar contains an entry for this variant (Variation ID: 2666). Advanced modeling of protein sequence and biophysical properties (such as structural, functional, and spatial information, amino acid conservation, physicochemical variation, residue mobility, and thermodynamic stability) performed at Invitae indicates that this missense variant is expected to disrupt SUMF1 protein function. For these reasons, this variant has been classified as Pathogenic.

Fulgent Genetics
Classification: Pathogenic for Multiple sulfatase deficiency. Last evaluated: 2021-12-15. Review status: criteria provided, single submitter. Criteria: ACMG Guidelines, 2015. Collection method: clinical testing. Allele origin: unknown.

Genome-Nilou Lab
Classification: Pathogenic for Multiple sulfatase deficiency. Last evaluated: 2021-09-05. Review status: criteria provided, single submitter. Criteria: ACMG Guidelines, 2015. Collection method: clinical testing. Allele origin: germline. Affected: no.

GeneDx
Classification: Pathogenic. Last evaluated: 2021-06-15. Review status: criteria provided, single submitter. Criteria: GeneDx Variant Classification Process June 2021. Collection method: clinical testing. Allele origin: germline. Affected: yes.
Comment: Published functional studies demonstrate a damaging effect (Cosma et al., 2004; Schlotawa et al., 2008); Not observed at a significant frequency in large population cohorts (Lek et al., 2016); In silico analysis supports that this missense variant has a deleterious effect on protein structure/function; This variant is associated with the following publications: (PMID: 27535533, 32621519, 25885655, 15146462, 12757705, 18157819, 12757706, 17657823, 28452122, 20490930, 32620537, 19697114, 17881260, 24484558, 21224894, 29048999, 25373814, 30896912)

Genomic Research Center, Shahid Beheshti University of Medical Sciences
Classification: Likely pathogenic for Multiple sulfatase deficiency. Last evaluated: 2019-04-27. Review status: criteria provided, single submitter. Criteria: ACMG Guidelines, 2015. Collection method: clinical testing. Allele origin: unknown. Affected: no.

OMIM
Classification: Pathogenic for MULTIPLE SULFATASE DEFICIENCY. Last evaluated: 2003-05-16. Review status: no assertion criteria provided. Collection method: literature only. Allele origin: germline. Not counted in ClinVar's aggregate classification.

GeneReviews
No classification provided. Condition: Multiple sulfatase deficiency. Review status: no classification provided. Collection method: literature only. Allele origin: germline. Not counted in ClinVar's aggregate classification.

Literature cited by the submitters: PubMed 25885655 (cited by Natera, Inc. and Labcorp Genetics (formerly Invitae), Labcorp); PubMed 25373814 (cited by Natera, Inc. and Labcorp Genetics (formerly Invitae), Labcorp); PubMed 15146462 (cited by Natera, Inc. and Labcorp Genetics (formerly Invitae), Labcorp); PubMed 17657823 (cited by Labcorp Genetics (formerly Invitae), Labcorp); PubMed 18157819 (cited by Labcorp Genetics (formerly Invitae), Labcorp); PubMed 12757705 (cited by Labcorp Genetics (formerly Invitae), Labcorp and OMIM); PubMed 12757706 (cited by Labcorp Genetics (formerly Invitae), Labcorp and OMIM); PubMed 17881260 (cited by Labcorp Genetics (formerly Invitae), Labcorp); PubMed 24484558 (cited by Labcorp Genetics (formerly Invitae), Labcorp); NCBI Bookshelf NBK538937 (cited by GeneReviews); PubMed 30896912 (cited by GeneReviews).

NM_182760.4(SUMF1):c.1045C>T (p.Arg349Trp)

Gene: SUMF1 (sulfatase modifying factor 1; minus strand). Cytogenetic location: 3p26.1.
Variant type: single nucleotide variant.
Coding change: c.1045C>T on transcript NM_182760.4 (MANE Select); coding-DNA position 1045, C replaced by T.
Protein change: p.Arg349Trp; replaces arginine 349 with tryptophan.
Molecular consequence: missense variant.
Genome position (GRCh38, 1-based): chr3:4,362,224, G>A on the plus strand (C>T on the coding strand, the complement: SUMF1 is on the minus strand). VCF-style: chr3-4362224-G-A. GRCh37 (hg19) VCF-style: chr3-4403908-G-A.
Other names: c.970C>T, p.Arg324Trp (NM_001164674.2); c.985C>T, p.Arg329Trp (NM_001164675.2); short protein forms R349W, R329W, R324W.
Identifiers: ClinVar variation 2666 (VCV000002666.22), dbSNP rs137852846, ClinGen allele CA115671.
Genomic context (GRCh38, chr3:4,362,224, plus strand): 5'-GGTCGGCTGCACAGCGGAATCCCAGATTCGAAGCAGAGCTATCAGGTGTGTTCTGGCTCC[G>A]AGCAGCACAGCGATACCTGTAACAATAAGACTGTGTAGAGAGAAAGAGCAAGGTAAGTGC-3'
Protein context (NP_877437.2, residues 339-359): SYCYRYRCAA[Arg349Trp]SQNTPDSSAS